The following is an entry in ClinVar:

NM_001267550.2(TTN):c.83780C>G (p.Thr27927Ser)

Genes: TTN (titin; minus strand), TTN-AS1 (TTN antisense RNA 1; plus strand). Cytogenetic location: 2q31.2.
Variant type: single nucleotide variant.
Coding change: c.83780C>G on transcript NM_001267550.2 (MANE Select); coding-DNA position 83780, C replaced by G.
Protein change: p.Thr27927Ser; replaces threonine 27927 with serine.
Molecular consequence: missense variant.
Genome position (GRCh38, 1-based): chr2:178,562,352, G>C on the plus strand (C>G on the coding strand, the complement: TTN is on the minus strand). VCF-style: chr2-178562352-G-C. GRCh37 (hg19) VCF-style: chr2-179427079-G-C.
Other names: c.78857C>G, p.Thr26286Ser (NM_001256850.1); c.56585C>G, p.Thr18862Ser (NM_003319.4); c.76076C>G, p.Thr25359Ser (NM_133378.4); c.56960C>G, p.Thr18987Ser (NM_133432.3); c.57161C>G, p.Thr19054Ser (NM_133437.4); short protein forms T26286S, T18862S, T19054S, T18987S, T27927S, T25359S.
Identifiers: ClinVar variation 3731059 (VCV003731059.1).
Genomic context (GRCh38, chr2:178,562,352, plus strand): 5'-GGATCACTTCTTCCCTTTTCGTTAACTGCAGCTACCCTGAAGACATACTCTTCTCCTGCA[G>C]TTAAGCCAGATATAGTTGCTTCTAGAGTCTTAACTTGTGTGCAGGTGCTCCACTTTTCAC-3'
Protein context (NP_001254479.2, residues 27917-27937): KTLEATISGL[Thr27927Ser]AGEEYVFRVA

ClinVar aggregate classification (germline): Uncertain significance (1 of 4 stars; one submission).

gnomAD v4.1: 3 of 1,611,106 alleles (0.00019%); highest among the groups gnomAD compares: South Asian, 0.0022%; no homozygotes.

Submission:

GeneDx
Classification: Uncertain significance. Last evaluated: 2024-08-13. Review status: criteria provided, single submitter. Criteria: GeneDx Variant Classification Process June 2021. Collection method: clinical testing. Allele origin: germline. Affected: yes.
Comment: Not observed at significant frequency in large population cohorts (gnomAD); Missense variant in a gene in which most reported pathogenic variants are truncating/loss of function; Has not been previously published as pathogenic or benign to our knowledge